The following is an entry in ClinVar:

NM_000088.4(COL1A1):c.200A>G (p.Lys67Arg)

Gene: COL1A1 (collagen type I alpha 1 chain; minus strand). Cytogenetic location: 17q21.33.
Variant type: single nucleotide variant.
Coding change: c.200A>G on transcript NM_000088.4 (MANE Select); coding-DNA position 200, A replaced by G.
Protein change: p.Lys67Arg; replaces lysine 67 with arginine.
Molecular consequence: missense variant.
Genome position (GRCh38, 1-based): chr17:50,199,851, T>C on the plus strand (A>G on the coding strand, the complement: COL1A1 is on the minus strand). VCF-style: chr17-50199851-T-C. GRCh37 (hg19) VCF-style: chr17-48277212-T-C.
Other names: short protein forms K67R.
Identifiers: ClinVar variation 2704532 (VCV002704532.4), dbSNP rs758395597, ClinGen allele CA8645810.

ClinVar aggregate classification (germline): Conflicting classifications of pathogenicity. Review status: criteria provided, conflicting classifications (1 of 4 stars). 2 submissions from 2 submitters: Uncertain significance (1); Benign (1). Last evaluated 2023-05-03.

Conditions:
Osteogenesis imperfecta type I (OI1). Also called: Classic Non-deforming Osteogenesis Imperfecta with Blue Sclerae; OI, TYPE I; OSTEOGENESIS IMPERFECTA TARDA; OSTEOGENESIS IMPERFECTA WITH BLUE SCLERAE; Osteogenesis imperfecta type 1; Lobstein's Disease. Identifiers: Orphanet 216796, Orphanet 666, MedGen C0023931, MONDO:0008146, OMIM 166200. Disease mechanism: loss of function.

Allele frequency attached by ClinVar (database versions not stated): ExAC 0.00001; gnomAD 0.00001.
gnomAD v4.1: 18 of 1,614,020 alleles (0.0011%); highest among the groups gnomAD compares: Non-Finnish European, 0.0014%; no homozygotes.

Submissions (2):

GeneDx
Classification: Uncertain significance. Last evaluated: 2023-05-03. Review status: criteria provided, single submitter. Criteria: GeneDx Variant Classification Process June 2021. Collection method: clinical testing. Allele origin: germline. Affected: yes.
Comment: Not observed at significant frequency in large population cohorts (gnomAD); In silico analysis supports that this missense variant does not alter protein structure/function; Has not been previously published as pathogenic or benign to our knowledge; Not located in the triple helical region, where the majority of pathogenic missense variants occur (HGMD)

Labcorp Genetics (formerly Invitae), Labcorp
Classification: Benign for Osteogenesis imperfecta type I. Last evaluated: 2022-12-13. Review status: criteria provided, single submitter. Criteria: Invitae Variant Classification Sherloc (09022015). Collection method: clinical testing. Allele origin: germline.